The following is an entry in ClinVar:

NM_203447.4(DOCK8):c.1432C>T (p.Arg478Cys)

Gene: DOCK8 (dedicator of cytokinesis 8; plus strand). Cytogenetic location: 9p24.3.
Variant type: single nucleotide variant.
Coding change: c.1432C>T on transcript NM_203447.4 (MANE Select); coding-DNA position 1432, C replaced by T.
Protein change: p.Arg478Cys; replaces arginine 478 with cysteine.
Molecular consequence: missense variant.
Genome position (GRCh38, 1-based): chr9:339,015, C>T. VCF-style: chr9-339015-C-T. GRCh37 (hg19) VCF-style: chr9-339015-C-T.
Other names: c.1228C>T, p.Arg410Cys (NM_001190458.2, NM_001193536.2); short protein forms R478C, R410C.
Identifiers: ClinVar variation 2093094 (VCV002093094.2), dbSNP rs1164187597, ClinGen allele CA372754525.

ClinVar aggregate classification (germline): Uncertain significance (1 of 4 stars; one submission).

Conditions:
Combined immunodeficiency due to DOCK8 deficiency (HIES2). Also called: HIES autosomal recessive; HYPER-IgE RECURRENT INFECTION SYNDROME 2, AUTOSOMAL RECESSIVE; HYPER-IgE SYNDROME 2, AUTOSOMAL RECESSIVE, WITH RECURRENT INFECTIONS; Hyper-IgE recurrent infection syndrome, autosomal recessive; DOCK8 Deficiency. Identifiers: Orphanet 217390, MedGen C4722305, MONDO:0009478, OMIM 243700.

Allele frequency attached by ClinVar (database versions not stated): gnomAD exomes below 0.00001; TOPMed below 0.00001.
gnomAD v4.1: 5 of 1,614,030 alleles (0.00031%); highest among the groups gnomAD compares: East Asian, 0.0022%; no homozygotes.

Submission:

Labcorp Genetics (formerly Invitae), Labcorp
Classification: Uncertain significance for Combined immunodeficiency due to DOCK8 deficiency. Last evaluated: 2025-08-18. Review status: criteria provided, single submitter. Criteria: Invitae Variant Classification Sherloc (09022015). Collection method: clinical testing. Allele origin: germline.
Comment: This sequence change replaces arginine, which is basic and polar, with cysteine, which is neutral and slightly polar, at codon 478 of the DOCK8 protein (p.Arg478Cys). This variant is present in population databases (no rsID available, gnomAD 0.003%). This variant has not been reported in the literature in individuals affected with DOCK8-related conditions. ClinVar contains an entry for this variant (Variation ID: 2093094). Invitae Evidence Modeling of protein sequence and biophysical properties (such as structural, functional, and spatial information, amino acid conservation, physicochemical variation, residue mobility, and thermodynamic stability) indicates that this missense variant is not expected to disrupt DOCK8 protein function with a negative predictive value of 80%. In summary, the available evidence is currently insufficient to determine the role of this variant in disease. Therefore, it has been classified as a Variant of Uncertain Significance.